The following is an entry in ClinVar:

ClinVar aggregate classification (germline): Uncertain significance (1 of 4 stars; one submission).

Conditions:
Autosomal dominant hypocalcemia 1 (HYPOC1). Also called: HYPOCALCEMIA, FAMILIAL. Identifiers: MedGen C3715128, MONDO:0011013, OMIM 601198.
Familial hypocalciuric hypercalcemia (FHH). Also called: Familial benign hypercalcemia. Identifiers: Orphanet 405, MedGen C1809471, MONDO:0018458.

Submission:

Labcorp Genetics (formerly Invitae), Labcorp
Classification: Uncertain significance for Familial hypocalciuric hypercalcemia; Autosomal dominant hypocalcemia 1. Last evaluated: 2024-01-14. Review status: criteria provided, single submitter. Criteria: Invitae Variant Classification Sherloc (09022015). Collection method: clinical testing. Allele origin: germline.
Comment: This sequence change replaces glutamine, which is neutral and polar, with proline, which is neutral and non-polar, at codon 934 of the CASR protein (p.Gln934Pro). This variant is not present in population databases (gnomAD no frequency). This variant has not been reported in the literature in individuals affected with CASR-related conditions. Algorithms developed to predict the effect of missense changes on protein structure and function output the following: SIFT: "Not Available"; PolyPhen-2: "Benign"; Align-GVGD: "Not Available". The proline amino acid residue is found in multiple mammalian species, which suggests that this missense change does not adversely affect protein function. In summary, the available evidence is currently insufficient to determine the role of this variant in disease. Therefore, it has been classified as a Variant of Uncertain Significance.

NM_000388.4(CASR):c.2801A>C (p.Gln934Pro)

Gene: CASR (calcium sensing receptor; plus strand). Cytogenetic location: 3q21.1.
Variant type: single nucleotide variant.
Coding change: c.2801A>C on transcript NM_000388.4 (MANE Select); coding-DNA position 2801, A replaced by C.
Protein change: p.Gln934Pro; replaces glutamine 934 with proline.
Molecular consequence: missense variant.
Genome position (GRCh38, 1-based): chr3:122,284,755, A>C. VCF-style: chr3-122284755-A-C. GRCh37 (hg19) VCF-style: chr3-122003602-A-C.
Other names: c.2831A>C, p.Gln944Pro (NM_001178065.2); short protein forms Q944P, Q934P.
Identifiers: ClinVar variation 2922202 (VCV002922202.3), dbSNP rs2473282004, ClinGen allele CA354160803.